The following is an entry in ClinVar:

NM_001329943.3(KIAA0586):c.2945-1G>C

Gene: KIAA0586 (KIAA0586; plus strand). Cytogenetic location: 14q23.1.
Variant type: single nucleotide variant.
Coding change: c.2945-1G>C on transcript NM_001329943.3 (MANE Select); the canonical splice acceptor site of the intron before coding-DNA position 2945, G replaced by C.
Molecular consequence: splice acceptor variant.
Genome position (GRCh38, 1-based): chr14:58,482,512, G>C. VCF-style: chr14-58482512-G-C. GRCh37 (hg19) VCF-style: chr14-58949230-G-C.
Other names: c.3104-1G>C (NM_001244189.2); c.2900-1G>C (NM_001244190.2); c.2813-1G>C (NM_001244192.2); c.2690-1G>C (NM_001244191.2, NM_001364701.2, NM_001329945.2 and 1 more transcripts); c.2945-1G>C (NM_001329944.2, NM_001329946.2, NM_001329947.2); c.2717-1G>C (NM_014749.5); c.2525-1G>C (NM_001244193.2).
Identifiers: ClinVar variation 1888361 (VCV001888361.5), dbSNP rs1208252356, ClinGen allele CA389879551.

ClinVar aggregate classification (germline): Likely pathogenic (1 of 4 stars; one submission).

Conditions:
Joubert syndrome 23 (JBTS23). Identifiers: Orphanet 475, MedGen C4084822, MONDO:0014664, OMIM 616490.
Short-rib thoracic dysplasia 14 with polydactyly (SRTD14). Identifiers: Orphanet 397715, MedGen C4225286, MONDO:0014688, OMIM 616546.

Submission:

Labcorp Genetics (formerly Invitae), Labcorp
Classification: Likely pathogenic for Joubert syndrome 23; Short-rib thoracic dysplasia 14 with polydactyly. Last evaluated: 2022-06-29. Review status: criteria provided, single submitter. Criteria: Invitae Variant Classification Sherloc (09022015). Collection method: clinical testing. Allele origin: germline.
Comment: This sequence change affects an acceptor splice site in intron 22 of the KIAA0586 gene. It is expected to disrupt RNA splicing. Variants that disrupt the donor or acceptor splice site typically lead to a loss of protein function (PMID: 16199547), and loss-of-function variants in KIAA0586 are known to be pathogenic (PMID: 26096313, 26166481, 26386044). This variant is not present in population databases (gnomAD no frequency). This variant has not been reported in the literature in individuals affected with KIAA0586-related conditions. Algorithms developed to predict the effect of sequence changes on RNA splicing suggest that this variant may disrupt the consensus splice site. In summary, the currently available evidence indicates that the variant is pathogenic, but additional data are needed to prove that conclusively. Therefore, this variant has been classified as Likely Pathogenic.

Literature cited by the submitters: PubMed 16199547; PubMed 26096313; PubMed 26166481; PubMed 26386044.